The following is an entry in ClinVar:

NM_005535.3(IL12RB1):c.143G>A (p.Arg48Lys)

Gene: IL12RB1 (interleukin 12 receptor subunit beta 1; minus strand). Cytogenetic location: 19p13.11.
Variant type: single nucleotide variant.
Coding change: c.143G>A on transcript NM_005535.3 (MANE Select); coding-DNA position 143, G replaced by A.
Protein change: p.Arg48Lys; replaces arginine 48 with lysine.
Molecular consequence: missense variant.
Genome position (GRCh38, 1-based): chr19:18,082,246, C>T on the plus strand (G>A on the coding strand, the complement: IL12RB1 is on the minus strand). VCF-style: chr19-18082246-C-T. GRCh37 (hg19) VCF-style: chr19-18193056-C-T.
Other names: c.143G>A, p.Arg48Lys (NM_001290023.2, NM_153701.3); c.263G>A, p.Arg88Lys (NM_001290024.2); short protein forms R48K, R88K.
Identifiers: ClinVar variation 889430 (VCV000889430.8), dbSNP rs750798813, ClinGen allele CA9305319.

ClinVar aggregate classification (germline): Uncertain significance. Review status: criteria provided, multiple submitters, no conflicts (2 of 4 stars). 2 submissions from 2 submitters: Uncertain significance (2). Last evaluated 2024-02-17.

Conditions:
Mendelian susceptibility to mycobacterial diseases due to complete IL12RB1 deficiency. Also called: IL12RB1 DEFICIENCY; Immunodeficiency 30. Identifiers: Orphanet 319552, MedGen C4013949, MONDO:0013955, OMIM 614891.

Allele frequency attached by ClinVar (database versions not stated): gnomAD exomes 0.00001 and 0.00002; ExAC 0.00006.
gnomAD v4.1: 11 of 1,612,004 alleles (0.00068%); highest among the groups gnomAD compares: Middle Eastern, 0.017%; no homozygotes.

Submissions (2):

Labcorp Genetics (formerly Invitae), Labcorp
Classification: Uncertain significance for Mendelian susceptibility to mycobacterial diseases due to complete IL12RB1 deficiency. Last evaluated: 2024-02-17. Review status: criteria provided, single submitter. Criteria: Invitae Variant Classification Sherloc (09022015). Collection method: clinical testing. Allele origin: germline.
Comment: This sequence change replaces arginine, which is basic and polar, with lysine, which is basic and polar, at codon 48 of the IL12RB1 protein (p.Arg48Lys). This variant is present in population databases (rs750798813, gnomAD 0.005%). This variant has not been reported in the literature in individuals affected with IL12RB1-related conditions. ClinVar contains an entry for this variant (Variation ID: 889430). Advanced modeling of protein sequence and biophysical properties (such as structural, functional, and spatial information, amino acid conservation, physicochemical variation, residue mobility, and thermodynamic stability) performed at Invitae indicates that this missense variant is not expected to disrupt IL12RB1 protein function with a negative predictive value of 80%. In summary, the available evidence is currently insufficient to determine the role of this variant in disease. Therefore, it has been classified as a Variant of Uncertain Significance.

Illumina Laboratory Services, Illumina
Classification: Uncertain significance for Mendelian susceptibility to mycobacterial diseases due to complete IL12RB1 deficiency. Last evaluated: 2018-01-13. Review status: criteria provided, single submitter. Criteria: ICSL Variant Classification Criteria 13 December 2019. Collection method: clinical testing. Allele origin: germline.